The following is an entry in ClinVar:

ClinVar aggregate classification (germline): Likely pathogenic (1 of 4 stars; one submission).

Submission:

GeneDx
Classification: Likely pathogenic. Last evaluated: 2025-01-28. Review status: criteria provided, single submitter. Criteria: GeneDx Variant Classification Process June 2021. Collection method: clinical testing. Allele origin: germline.
Comment: Not observed at significant frequency in large population cohorts (gnomAD); In silico analysis supports that this missense variant has a deleterious effect on protein structure/function; Has not been previously published as pathogenic or benign to our knowledge

NM_004586.3(RPS6KA3):c.751T>C (p.Trp251Arg)

Gene: RPS6KA3 (ribosomal protein S6 kinase A3; minus strand). Cytogenetic location: Xp22.12.
Variant type: single nucleotide variant.
Coding change: c.751T>C on transcript NM_004586.3 (MANE Select); coding-DNA position 751, T replaced by C.
Protein change: p.Trp251Arg; replaces tryptophan 251 with arginine.
Molecular consequence: missense variant.
Genome position (GRCh38, 1-based): chrX:20,187,851, A>G on the plus strand (T>C on the coding strand, the complement: RPS6KA3 is on the minus strand). VCF-style: chrX-20187851-A-G. GRCh37 (hg19) VCF-style: chrX-20205969-A-G.
Other names: short protein forms W251R.
Identifiers: ClinVar variation 3375625 (VCV003375625.2).